The following is an entry in ClinVar:

NM_005045.4(RELN):c.9669C>G (p.Asp3223Glu)

Genes: RELN (reelin; minus strand), SLC26A5-AS1 (SLC26A5 antisense RNA 1; plus strand), LOC126860130 (BRD4-independent group 4 enhancer GRCh37_chr7:103130126-103131325; plus strand). Cytogenetic location: 7q22.1.
Variant type: single nucleotide variant.
Coding change: c.9669C>G on transcript NM_005045.4 (MANE Select); coding-DNA position 9669, C replaced by G.
Protein change: p.Asp3223Glu; replaces aspartic acid 3223 with glutamic acid.
Molecular consequence: missense variant.
Genome position (GRCh38, 1-based): chr7:103,489,836, G>C on the plus strand (C>G on the coding strand, the complement: RELN is on the minus strand). VCF-style: chr7-103489836-G-C. GRCh37 (hg19) VCF-style: chr7-103130283-G-C.
Other names: c.9669C>G, p.Asp3223Glu (NM_173054.3); short protein forms D3223E.
Identifiers: ClinVar variation 542577 (VCV000542577.7), dbSNP rs1442238479, ClinGen allele CA368743901.

ClinVar aggregate classification (germline): Uncertain significance (1 of 4 stars; one submission).

Conditions:
Familial temporal lobe epilepsy 7. Identifiers: Orphanet 101046, MedGen C4225327, MONDO:0014639, OMIM 616436.
Norman-Roberts syndrome (LIS2). Also called: Lissencephaly 2 (Norman-Roberts type). Identifiers: Orphanet 89844, MedGen C0796089, MONDO:0009760, OMIM 257320.

Allele frequency attached by ClinVar (database versions not stated): TOPMed below 0.00001; gnomAD 0.00001.
gnomAD v4.1: 3 of 1,614,070 alleles (0.00019%); highest among the groups gnomAD compares: Non-Finnish European, 0.00025%; no homozygotes.

Submission:

Labcorp Genetics (formerly Invitae), Labcorp
Classification: Uncertain significance for Familial temporal lobe epilepsy 7; Norman-Roberts syndrome. Last evaluated: 2023-10-03. Review status: criteria provided, single submitter. Criteria: Invitae Variant Classification Sherloc (09022015). Collection method: clinical testing. Allele origin: germline.
Comment: This sequence change replaces aspartic acid, which is acidic and polar, with glutamic acid, which is acidic and polar, at codon 3223 of the RELN protein (p.Asp3223Glu). This variant is not present in population databases (gnomAD no frequency). This variant has not been reported in the literature in individuals affected with RELN-related conditions. ClinVar contains an entry for this variant (Variation ID: 542577). Advanced modeling of protein sequence and biophysical properties (such as structural, functional, and spatial information, amino acid conservation, physicochemical variation, residue mobility, and thermodynamic stability) performed at Invitae indicates that this missense variant is not expected to disrupt RELN protein function. In summary, the available evidence is currently insufficient to determine the role of this variant in disease. Therefore, it has been classified as a Variant of Uncertain Significance.